The following is an entry in ClinVar:

NM_002880.4(RAF1):c.1080T>G (p.Phe360Leu)

Gene: RAF1 (Raf-1 proto-oncogene, serine/threonine kinase; minus strand). Cytogenetic location: 3p25.2.
Variant type: single nucleotide variant.
Coding change: c.1080T>G on transcript NM_002880.4 (MANE Select); coding-DNA position 1080, T replaced by G.
Protein change: p.Phe360Leu; replaces phenylalanine 360 with leucine.
Molecular consequence: missense variant. On other transcripts: non-coding transcript variant (3).
Genome position (GRCh38, 1-based): chr3:12,599,719, A>C on the plus strand (T>G on the coding strand, the complement: RAF1 is on the minus strand). VCF-style: chr3-12599719-A-C. GRCh37 (hg19) VCF-style: chr3-12641218-A-C.
Other names: c.1140T>G, p.Phe380Leu (NM_001354689.3); c.1080T>G, p.Phe360Leu (NM_001354690.3); c.837T>G, p.Phe279Leu (NM_001354691.3, NM_001354692.3); c.981T>G, p.Phe327Leu (NM_001354693.3); c.897T>G, p.Phe299Leu (NM_001354694.3); c.738T>G, p.Phe246Leu (NM_001354695.3); short protein forms F246L, F279L, F299L, F327L, F360L, F380L.
Identifiers: ClinVar variation 4801593 (VCV004801593.1).

ClinVar aggregate classification (germline): Uncertain significance (1 of 4 stars; one submission).

Conditions:
RASopathy. Also called: rasopathies; Noonan spectrum disorder. Identifiers: Orphanet 536391, MedGen C5555857, MONDO:0021060.

Submission:

Labcorp Genetics (formerly Invitae), Labcorp
Classification: Uncertain significance for RASopathy. Last evaluated: 2025-05-04. Review status: criteria provided, single submitter. Criteria: Invitae Variant Classification Sherloc (09022015). Collection method: clinical testing. Allele origin: germline.
Comment: This sequence change replaces phenylalanine, which is neutral and non-polar, with leucine, which is neutral and non-polar, at codon 360 of the RAF1 protein (p.Phe360Leu). This variant is not present in population databases (gnomAD no frequency). This variant has not been reported in the literature in individuals affected with RAF1-related conditions. Invitae Evidence Modeling of protein sequence and biophysical properties (such as structural, functional, and spatial information, amino acid conservation, physicochemical variation, residue mobility, and thermodynamic stability) indicates that this missense variant is expected to disrupt RAF1 protein function with a positive predictive value of 95%. In summary, the available evidence is currently insufficient to determine the role of this variant in disease. Therefore, it has been classified as a Variant of Uncertain Significance.